The following is an entry in ClinVar:

NM_014762.4(DHCR24):c.1020+11G>A

Gene: DHCR24 (24-dehydrocholesterol reductase; minus strand). Cytogenetic location: 1p32.3.
Variant type: single nucleotide variant.
Coding change: c.1020+11G>A on transcript NM_014762.4 (MANE Select); 11 bases into the intron after coding-DNA position 1020, G replaced by A.
Molecular consequence: intron variant.
Genome position (GRCh38, 1-based): chr1:54,865,292, C>T on the plus strand (G>A on the coding strand, the complement: DHCR24 is on the minus strand). VCF-style: chr1-54865292-C-T. GRCh37 (hg19) VCF-style: chr1-55330965-C-T.
Identifiers: ClinVar variation 297655 (VCV000297655.6), dbSNP rs555618086, ClinGen allele CA870669.
Genomic context (GRCh38, chr1:54,865,292, plus strand): 5'-CAGTGTTAACTGTCCGGGCTCCCTGCCCAGCTGGCCTGGAGGAGCCAGGGCTACAGAAAC[C>T]TAAGCCTCACCTGGAGCTCCCAGAAGATGCTGCGCGTGTGGCGGTGGTAGTAGTGTCTCA-3'

ClinVar aggregate classification (germline): Likely benign. Review status: criteria provided, multiple submitters, no conflicts (2 of 4 stars). 2 submissions from 2 submitters: Likely benign (2). Last evaluated 2024-10-09.

Conditions:
Desmosterolosis. Identifiers: Orphanet 35107, MedGen C1865596, MONDO:0011217, OMIM 602398.

Allele frequency attached by ClinVar (database versions not stated): gnomAD exomes 0.00020 and 0.00049; ExAC 0.00079; 1000 Genomes Project 30x 0.00141; 1000 Genomes Project 0.00160; gnomAD 0.00238 and 0.00258; TOPMed 0.00268.

Submissions (2):

Blueprint Genetics
Classification: Likely benign. Last evaluated: 2024-10-09. Review status: criteria provided, single submitter. Criteria: ACMG Guidelines, 2015. Collection method: clinical testing. Allele origin: germline.

Illumina Laboratory Services, Illumina
Classification: Likely benign for Desmosterolosis. Last evaluated: 2018-01-13. Review status: criteria provided, single submitter. Criteria: ICSL Variant Classification Criteria 13 December 2019. Collection method: clinical testing. Allele origin: germline.
Comment: This variant was observed in the ICSL laboratory as part of a predisposition screen in an ostensibly healthy population. It had not been previously curated by ICSL or reported in the Human Gene Mutation Database (HGMD: prior to June 1st, 2018), and was therefore a candidate for classification through an automated scoring system. Utilizing variant allele frequency, disease prevalence and penetrance estimates, and inheritance mode, an automated score was calculated to assess if this variant is too frequent to cause the disease. Based on the score and internal cut-off values, a variant classified as likely benign is not then subjected to further curation. The score for this variant resulted in a classification of likely benign for this disease.